The following is an entry in ClinVar:

ClinVar aggregate classification (germline): Uncertain significance (1 of 4 stars; one submission).

Conditions:
Long QT syndrome (LQTS). Identifiers: MedGen C0023976, MeSH D008133, MONDO:0002442. Disease mechanism: loss of function. Inheritance: Various modes of inheritance.

gnomAD v4.1: 4 of 1,561,664 alleles (0.00026%); highest among the groups gnomAD compares: Admixed American, 0.0069%; no homozygotes.

Submission:

Labcorp Genetics (formerly Invitae), Labcorp
Classification: Uncertain significance for Long QT syndrome. Last evaluated: 2025-12-08. Review status: criteria provided, single submitter. Criteria: Invitae Variant Classification Sherloc (09022015). Collection method: clinical testing. Allele origin: germline.
Comment: This sequence change replaces glutamic acid, which is acidic and polar, with lysine, which is basic and polar, at codon 95 of the KCNH2 protein (p.Glu95Lys). The frequency data for this variant in the population databases is considered unreliable, as metrics indicate poor data quality at this position in the gnomAD database. This variant has not been reported in the literature in individuals affected with KCNH2-related conditions. ClinVar contains an entry for this variant (Variation ID: 3645455). An algorithm developed to predict the effect of missense changes on protein structure and function (PolyPhen-2) suggests that this variant is likely to be disruptive. Experimental studies have shown that this missense change does not substantially affect KCNH2 function (PMID: 35688148). In summary, the available evidence is currently insufficient to determine the role of this variant in disease. Therefore, it has been classified as a Variant of Uncertain Significance.

Literature cited by the submitters: PubMed 35688148.

NM_000238.4(KCNH2):c.283G>A (p.Glu95Lys)

Gene: KCNH2 (potassium voltage-gated channel subfamily H member 2; minus strand). Cytogenetic location: 7q36.1.
Variant type: single nucleotide variant.
Coding change: c.283G>A on transcript NM_000238.4 (MANE Select); coding-DNA position 283, G replaced by A.
Protein change: p.Glu95Lys; replaces glutamic acid 95 with lysine.
Molecular consequence: missense variant. On other transcripts: non-coding transcript variant (1).
Genome position (GRCh38, 1-based): chr7:150,974,735, C>T on the plus strand (G>A on the coding strand, the complement: KCNH2 is on the minus strand). VCF-style: chr7-150974735-C-T. GRCh37 (hg19) VCF-style: chr7-150671823-C-T.
Other names: c.106G>A, p.Glu36Lys (NM_001406755.1); c.283G>A, p.Glu95Lys (NM_172056.3); short protein forms E95K, E36K.
Identifiers: ClinVar variation 3645455 (VCV003645455.2).